The following is an entry in ClinVar:

NM_001029883.3(PCARE):c.2498C>T (p.Pro833Leu)

Gene: PCARE (photoreceptor cilium actin regulator; minus strand). Cytogenetic location: 2p23.2.
Variant type: single nucleotide variant.
Coding change: c.2498C>T on transcript NM_001029883.3 (MANE Select); coding-DNA position 2498, C replaced by T.
Protein change: p.Pro833Leu; replaces proline 833 with leucine.
Molecular consequence: missense variant.
Genome position (GRCh38, 1-based): chr2:29,071,764, G>A on the plus strand (C>T on the coding strand, the complement: PCARE is on the minus strand). VCF-style: chr2-29071764-G-A. GRCh37 (hg19) VCF-style: chr2-29294630-G-A.
Other names: short protein forms P833L.
Identifiers: ClinVar variation 1384892 (VCV001384892.6), dbSNP rs752107215, ClinGen allele CA1592191.

ClinVar aggregate classification (germline): Uncertain significance. Review status: criteria provided, multiple submitters, no conflicts (2 of 4 stars). 2 submissions from 2 submitters: Uncertain significance (2). Last evaluated 2024-06-21.

Allele frequency attached by ClinVar (database versions not stated): ExAC 0.00001; gnomAD exomes 0.00001; gnomAD 0.00002; TOPMed 0.00002.
gnomAD v4.1: 17 of 1,613,336 alleles (0.0011%); highest among the groups gnomAD compares: Admixed American, 0.0067%; no homozygotes.

Submissions (2):

Blueprint Genetics
Classification: Uncertain significance. Last evaluated: 2024-06-21. Review status: criteria provided, single submitter. Criteria: ACMG Guidelines, 2015. Collection method: clinical testing. Allele origin: germline.

Labcorp Genetics (formerly Invitae), Labcorp
Classification: Uncertain significance. Last evaluated: 2022-01-22. Review status: criteria provided, single submitter. Criteria: Invitae Variant Classification Sherloc (09022015). Collection method: clinical testing. Allele origin: germline.
Comment: This sequence change replaces proline, which is neutral and non-polar, with leucine, which is neutral and non-polar, at codon 833 of the PCARE protein (p.Pro833Leu). This variant is present in population databases (rs752107215, gnomAD 0.006%). This missense change has been observed in individual(s) with clinical features of Leber congenital amaurosis (PMID: 20811058). Algorithms developed to predict the effect of missense changes on protein structure and function (SIFT, PolyPhen-2, Align-GVGD) all suggest that this variant is likely to be disruptive. In summary, the available evidence is currently insufficient to determine the role of this variant in disease. Therefore, it has been classified as a Variant of Uncertain Significance.

Literature cited by the submitters: PubMed 20811058 (cited by Labcorp Genetics (formerly Invitae), Labcorp).